The following is an entry in ClinVar:

ClinVar aggregate classification (germline): Uncertain significance. Review status: criteria provided, multiple submitters, no conflicts (2 of 4 stars). 4 submissions from 4 submitters: Uncertain significance (4). Last evaluated 2026-01-26.

Conditions:
Hereditary cancer-predisposing syndrome. Also called: Hereditary neoplastic syndrome; Tumor predisposition; Neoplastic Syndromes, Hereditary; Hereditary Cancer Syndrome. Identifiers: Orphanet 140162, MedGen C0027672, MeSH D009386, MONDO:0015356.
Oligodontia-cancer predisposition syndrome. Also called: TOOTH AGENESIS-COLORECTAL CANCER SYNDROME. Identifiers: Orphanet 300576, MedGen C1837750, MONDO:0012075, OMIM 608615. Disease mechanism: loss of function.

Allele frequency attached by ClinVar (database versions not stated): gnomAD exomes 0.00002; ExAC 0.00003; TOPMed 0.00005; 1000 Genomes Project 0.00020; 1000 Genomes Project 30x 0.00031.
gnomAD v4.1: 79 of 1,614,190 alleles (0.0049%); highest among the groups gnomAD compares: African/African-American, 0.013%; no homozygotes.

Submissions (4):

Labcorp Genetics (formerly Invitae), Labcorp
Classification: Uncertain significance for Oligodontia-cancer predisposition syndrome. Last evaluated: 2026-01-26. Review status: criteria provided, single submitter. Criteria: Invitae Variant Classification Sherloc (09022015). Collection method: clinical testing. Allele origin: germline.
Comment: This sequence change replaces arginine, which is basic and polar, with glutamine, which is neutral and polar, at codon 841 of the AXIN2 protein (p.Arg841Gln). This variant is present in population databases (rs562176077, gnomAD 0.01%). This missense change has been observed in individual(s) with nonsyndromic tooth agenesis (PMID: 33725141). ClinVar contains an entry for this variant (Variation ID: 419006). Invitae Evidence Modeling of protein sequence and biophysical properties (such as structural, functional, and spatial information, amino acid conservation, physicochemical variation, residue mobility, and thermodynamic stability) indicates that this missense variant is expected to disrupt AXIN2 protein function with a positive predictive value of 80%. In summary, the available evidence is currently insufficient to determine the role of this variant in disease. Therefore, it has been classified as a Variant of Uncertain Significance.

Ambry Genetics
Classification: Uncertain significance for Hereditary cancer-predisposing syndrome. Last evaluated: 2025-09-04. Review status: criteria provided, single submitter. Criteria: Ambry Variant Classification Scheme 2023. Collection method: clinical testing. Allele origin: germline.
Comment: The p.R841Q variant (also known as c.2522G>A), located in coding exon 10 of the AXIN2 gene, results from a G to A substitution at nucleotide position 2522. The arginine at codon 841 is replaced by glutamine, an amino acid with highly similar properties. This alteration has been reported in a pediatric patient with oligodontia (Keskin G et al. J Orofac Orthop, 2022 Oct;83:65-74). This amino acid position is well conserved in available vertebrate species. In addition, the in silico prediction for this alteration is inconclusive. Based on the available evidence, the clinical significance of this variant remains unclear.

GeneDx
Classification: Uncertain significance. Last evaluated: 2023-10-27. Review status: criteria provided, single submitter. Criteria: GeneDx Variant Classification Process June 2021. Collection method: clinical testing. Allele origin: germline. Affected: yes.
Comment: In silico analysis supports that this missense variant does not alter protein structure/function; Observed in an individual with nonsyndromic tooth agenesis (PMID: 33725141); This variant is associated with the following publications: (PMID: 33725141)

Sema4
Classification: Uncertain significance for Hereditary cancer-predisposing syndrome. Last evaluated: 2021-10-12. Review status: criteria provided, single submitter. Criteria: Sema4 Curation Guidelines. Collection method: curation. Allele origin: germline.
Comment: The AXIN2 c.2522G>A (p.R841Q) variant has been reported in one individual with nonsyndromic tooth agenesis (PMID 33725141). It was observed in 4/24966 chromosomes in the African/African American subpopulation according to the Genome Aggregation Database (PMID: 32461654). This variant has been reported in ClinVar (Variation ID 419006). In silico tools suggest the impact of the variant on protein function is inconclusive, though these predictions have not been confirmed by functional studies. The overall evidence is insufficient to meet ACMG/AMP criteria for classifying it as benign or pathogenic. In summary, the clinical significance of this variant is currently uncertain.

Literature cited by the submitters: PubMed 33725141 (cited by 3 submitters).

NM_004655.4(AXIN2):c.2522G>A (p.Arg841Gln)

Gene: AXIN2 (axin 2; minus strand). Cytogenetic location: 17q24.1.
Variant type: single nucleotide variant.
Coding change: c.2522G>A on transcript NM_004655.4 (MANE Select); coding-DNA position 2522, G replaced by A.
Protein change: p.Arg841Gln; replaces arginine 841 with glutamine.
Molecular consequence: missense variant.
Genome position (GRCh38, 1-based): chr17:65,529,986, C>T on the plus strand (G>A on the coding strand, the complement: AXIN2 is on the minus strand). VCF-style: chr17-65529986-C-T. GRCh37 (hg19) VCF-style: chr17-63526104-C-T.
Other names: c.2327G>A, p.Arg776Gln (NM_001363813.1); c.2522G>A (LRG_296t1); short protein forms R841Q, R776Q.
Identifiers: ClinVar variation 419006 (VCV000419006.18), dbSNP rs562176077, ClinGen allele CA8718273.
Genomic context (GRCh38, chr17:65,529,986, plus strand): 5'-TTCACAAGAGCTTCGGGCTCCAACAGTTCACCAAAGCCAGACCCCAGGGCTCAATCGATC[C>T]GCTCCACTTTGCCCAGAATCCGGCCTTCATACATCGGGAGCACCGTCTCATCCTCCCAGA-3'
Protein context (NP_004646.3, residues 831-843): YEGRILGKVE[Arg841Gln]ID